The following is an entry in ClinVar:

ClinVar aggregate classification (germline): Uncertain significance (1 of 4 stars; one submission).

Conditions:
Congenital disorder of deglycosylation (CDDG). Identifiers: MedGen C3808991, MONDO:0031376.

Allele frequency attached by ClinVar (database versions not stated): ExAC 0.00001; gnomAD 0.00001; gnomAD exomes 0.00001; TOPMed 0.00001.
gnomAD v4.1: 15 of 1,613,706 alleles (0.00093%); highest among the groups gnomAD compares: East Asian, 0.0045%; no homozygotes.

Submission:

Labcorp Genetics (formerly Invitae), Labcorp
Classification: Uncertain significance for Congenital disorder of deglycosylation. Last evaluated: 2024-10-15. Review status: criteria provided, single submitter. Criteria: Invitae Variant Classification Sherloc (09022015). Collection method: clinical testing. Allele origin: germline.
Comment: This sequence change replaces alanine, which is neutral and non-polar, with threonine, which is neutral and polar, at codon 626 of the NGLY1 protein (p.Ala626Thr). This variant is present in population databases (rs757269967, gnomAD 0.006%). This variant has not been reported in the literature in individuals affected with NGLY1-related conditions. ClinVar contains an entry for this variant (Variation ID: 1057463). Invitae Evidence Modeling of protein sequence and biophysical properties (such as structural, functional, and spatial information, amino acid conservation, physicochemical variation, residue mobility, and thermodynamic stability) indicates that this missense variant is expected to disrupt NGLY1 protein function with a positive predictive value of 80%. In summary, the available evidence is currently insufficient to determine the role of this variant in disease. Therefore, it has been classified as a Variant of Uncertain Significance.

NM_018297.4(NGLY1):c.1876G>A (p.Ala626Thr)

Gene: NGLY1 (N-glycanase 1; minus strand). Cytogenetic location: 3p24.2.
Variant type: single nucleotide variant.
Coding change: c.1876G>A on transcript NM_018297.4 (MANE Select); coding-DNA position 1876, G replaced by A.
Protein change: p.Ala626Thr; replaces alanine 626 with threonine.
Molecular consequence: missense variant. On other transcripts: 3 prime UTR variant (1).
Genome position (GRCh38, 1-based): chr3:25,719,549, C>T on the plus strand (G>A on the coding strand, the complement: NGLY1 is on the minus strand). VCF-style: chr3-25719549-C-T. GRCh37 (hg19) VCF-style: chr3-25761040-C-T.
Other names: c.1822G>A, p.Ala608Thr (NM_001145293.2); c.1750G>A, p.Ala584Thr (NM_001145294.2); c.*21G>A (NM_001145295.2); short protein forms A584T, A608T, A626T.
Identifiers: ClinVar variation 1057463 (VCV001057463.4), dbSNP rs757269967, ClinGen allele CA2289037.